The following is an entry in ClinVar:

ClinVar aggregate classification (germline): Uncertain significance (1 of 4 stars; one submission).

Submission:

Labcorp Genetics (formerly Invitae), Labcorp
Classification: Uncertain significance. Last evaluated: 2025-06-12. Review status: criteria provided, single submitter. Criteria: Invitae Variant Classification Sherloc (09022015). Collection method: clinical testing. Allele origin: germline.
Comment: This sequence change replaces threonine, which is neutral and polar, with alanine, which is neutral and non-polar, at codon 638 of the COL2A1 protein (p.Thr638Ala). This variant is not present in population databases (gnomAD no frequency). This variant has not been reported in the literature in individuals affected with COL2A1-related conditions. ClinVar contains an entry for this variant (Variation ID: 3720381). Invitae Evidence Modeling of protein sequence and biophysical properties (such as structural, functional, and spatial information, amino acid conservation, physicochemical variation, residue mobility, and thermodynamic stability) indicates that this missense variant is not expected to disrupt COL2A1 protein function with a negative predictive value of 95%. In summary, the available evidence is currently insufficient to determine the role of this variant in disease. Therefore, it has been classified as a Variant of Uncertain Significance.

NM_001844.5(COL2A1):c.1912A>G (p.Thr638Ala)

Gene: COL2A1 (collagen type II alpha 1 chain; minus strand). Cytogenetic location: 12q13.11.
Variant type: single nucleotide variant.
Coding change: c.1912A>G on transcript NM_001844.5 (MANE Select); coding-DNA position 1912, A replaced by G.
Protein change: p.Thr638Ala; replaces threonine 638 with alanine.
Molecular consequence: missense variant.
Genome position (GRCh38, 1-based): chr12:47,984,116, T>C on the plus strand (A>G on the coding strand, the complement: COL2A1 is on the minus strand). VCF-style: chr12-47984116-T-C. GRCh37 (hg19) VCF-style: chr12-48377899-T-C.
Other names: c.1705A>G, p.Thr569Ala (NM_033150.3); short protein forms T569A, T638A.
Identifiers: ClinVar variation 3720381 (VCV003720381.2).